The following is an entry in ClinVar:

ClinVar aggregate classification (germline): Uncertain significance. Review status: criteria provided, multiple submitters, no conflicts (2 of 4 stars). 2 submissions from 2 submitters: Uncertain significance (2). Last evaluated 2025-08-20.

Conditions:
STT3B-congenital disorder of glycosylation. Also called: CDG Ix; Congenital disorder of glycosylation type 1x; STT3B-CDG. Identifiers: Orphanet 370924, MedGen C2931007, MONDO:0014271, OMIM 615597.

gnomAD v4.1: 7 of 1,584,832 alleles (0.00044%); highest among the groups gnomAD compares: African/African-American, 0.0071%; no homozygotes.

Submissions (2):

Ambry Genetics
Classification: Uncertain significance. Last evaluated: 2025-08-20. Review status: criteria provided, single submitter. Criteria: Ambry Variant Classification Scheme 2023. Collection method: clinical testing. Allele origin: germline.

Labcorp Genetics (formerly Invitae), Labcorp
Classification: Uncertain significance for STT3B-congenital disorder of glycosylation. Last evaluated: 2025-08-06. Review status: criteria provided, single submitter. Criteria: Invitae Variant Classification Sherloc (09022015). Collection method: clinical testing. Allele origin: germline.
Comment: This sequence change replaces asparagine, which is neutral and polar, with serine, which is neutral and polar, at codon 16 of the STT3B protein (p.Asn16Ser). This variant is present in population databases (rs775835448, gnomAD 0.005%). This variant has not been reported in the literature in individuals affected with STT3B-related conditions. An algorithm developed to predict the effect of missense changes on protein structure and function (PolyPhen-2) suggests that this variant is likely to be tolerated. In summary, the available evidence is currently insufficient to determine the role of this variant in disease. Therefore, it has been classified as a Variant of Uncertain Significance.

NM_178862.3(STT3B):c.47A>G (p.Asn16Ser)

Genes: STT3B (STT3 oligosaccharyltransferase complex catalytic subunit B; plus strand), LOC129936407 (ATAC-STARR-seq lymphoblastoid silent region 14161; plus strand). Cytogenetic location: 3p23.
Variant type: single nucleotide variant.
Coding change: c.47A>G on transcript NM_178862.3 (MANE Select); coding-DNA position 47, A replaced by G.
Protein change: p.Asn16Ser; replaces asparagine 16 with serine.
Molecular consequence: missense variant.
Genome position (GRCh38, 1-based): chr3:31,533,045, A>G. VCF-style: chr3-31533045-A-G. GRCh37 (hg19) VCF-style: chr3-31574537-A-G.
Other names: short protein forms N16S.
Identifiers: ClinVar variation 4177213 (VCV004177213.2).